The following is an entry in ClinVar:

ClinVar aggregate classification (germline): Uncertain significance (1 of 4 stars; one submission).

Allele frequency attached by ClinVar (database versions not stated): 1000 Genomes Project 30x 0.00016; gnomAD exomes 0.00001; TOPMed 0.00001; 1000 Genomes Project 0.00020.
gnomAD v4.1: 4 of 1,614,014 alleles (0.00025%); highest among the groups gnomAD compares: Admixed American, 0.0067%; no homozygotes.

Submission:

GeneDx
Classification: Uncertain significance. Last evaluated: 2026-10-08. Review status: criteria provided, single submitter. Criteria: GeneDx Variant Classification Process June 2021. Collection method: clinical testing. Allele origin: germline.
Comment: Not observed at significant frequency in large population cohorts (gnomAD); In silico analysis supports that this missense variant has a deleterious effect on protein structure/function; Has not been previously published as pathogenic or benign to our knowledge

NM_194248.3(OTOF):c.1328C>T (p.Ala443Val)

Gene: OTOF (otoferlin; minus strand). Cytogenetic location: 2p23.3.
Variant type: single nucleotide variant.
Coding change: c.1328C>T on transcript NM_194248.3 (MANE Select); coding-DNA position 1328, C replaced by T.
Protein change: p.Ala443Val; replaces alanine 443 with valine.
Molecular consequence: missense variant.
Genome position (GRCh38, 1-based): chr2:26,483,526, G>A on the plus strand (C>T on the coding strand, the complement: OTOF is on the minus strand). VCF-style: chr2-26483526-G-A. GRCh37 (hg19) VCF-style: chr2-26706394-G-A.
Other names: c.1328C>T, p.Ala443Val (NM_001287489.2); short protein forms A443V.
Identifiers: ClinVar variation 2443389 (VCV002443389.2), dbSNP rs184754106, ClinGen allele CA44402343.
Genomic context (GRCh38, chr2:26,483,526, plus strand): 5'-TGGCCAGCAAAGAAGACTTGCACGTAGGGGTCCACGAGGTCCTTGTTTTCACCGATGAAA[G>A]CCTTCTTTACATTGGCCATGAGGCTTGTGTTCATACGGGGCAGCCCCTCTGCTCGGTAAA-3'
Protein context (NP_919224.1, residues 433-453): NTSLMANVKK[Ala443Val]FIGENKDLVD